The following is an entry in ClinVar:

ClinVar aggregate classification (germline): Uncertain significance. Review status: criteria provided, multiple submitters, no conflicts (2 of 4 stars). 3 submissions from 3 submitters: Uncertain significance (2). 1 of the submissions does not count toward it. Last evaluated 2022-10-24.

Conditions:
PEX11B-related disorder. Also called: PEX11B-related condition.

Allele frequency attached by ClinVar (database versions not stated): ExAC 0.00004; gnomAD 0.00006; TOPMed 0.00008; ESP Exome Variant Server 0.00015.
gnomAD v4.1: 138 of 1,613,934 alleles (0.0086%); highest among the groups gnomAD compares: Non-Finnish European, 0.01%; no homozygotes.

Submissions (3):

Labcorp Genetics (formerly Invitae), Labcorp
Classification: Uncertain significance. Last evaluated: 2022-10-24. Review status: criteria provided, single submitter. Criteria: Invitae Variant Classification Sherloc (09022015). Collection method: clinical testing. Allele origin: germline.
Comment: This sequence change replaces proline, which is neutral and non-polar, with leucine, which is neutral and non-polar, at codon 206 of the PEX11B protein (p.Pro206Leu). This variant is present in population databases (rs139422226, gnomAD 0.007%). This variant has not been reported in the literature in individuals affected with PEX11B-related conditions. ClinVar contains an entry for this variant (Variation ID: 872436). Algorithms developed to predict the effect of missense changes on protein structure and function are either unavailable or do not agree on the potential impact of this missense change (SIFT: "Deleterious"; PolyPhen-2: "Probably Damaging"; Align-GVGD: "Class C0"). In summary, the available evidence is currently insufficient to determine the role of this variant in disease. Therefore, it has been classified as a Variant of Uncertain Significance.

CeGaT Center for Human Genetics Tuebingen
Classification: Uncertain significance. Last evaluated: 2019-09-01. Review status: criteria provided, single submitter. Criteria: CeGaT Center For Human Genetics Tuebingen Variant Classification Criteria Version 2. Collection method: clinical testing. Allele origin: germline. Affected: yes. Observed: 1 variant allele.

PreventionGenetics, part of Exact Sciences
Classification: Uncertain significance for PEX11B-related condition. Last evaluated: 2024-04-30. Review status: no assertion criteria provided. Collection method: clinical testing. Allele origin: germline. Not counted in ClinVar's aggregate classification.
Comment: The PEX11B c.617C>T variant is predicted to result in the amino acid substitution p.Pro206Leu. To our knowledge, this variant has not been reported in the literature. This variant is reported in 0.0044% of alleles in individuals of European (Non-Finnish) descent in gnomAD. At this time, the clinical significance of this variant is uncertain due to the absence of conclusive functional and genetic evidence.

NM_003846.3(PEX11B):c.617C>T (p.Pro206Leu)

Gene: PEX11B (peroxisomal biogenesis factor 11 beta; minus strand). Cytogenetic location: 1q21.1.
Variant type: single nucleotide variant.
Coding change: c.617C>T on transcript NM_003846.3 (MANE Select); coding-DNA position 617, C replaced by T.
Protein change: p.Pro206Leu; replaces proline 206 with leucine.
Molecular consequence: missense variant. On other transcripts: non-coding transcript variant (3).
Genome position (GRCh38, 1-based): chr1:145,912,324, G>A on the plus strand (C>T on the coding strand, the complement: PEX11B is on the minus strand). VCF-style: chr1-145912324-G-A. GRCh37 (hg19) VCF-style: chr1-145522756-C-T.
Other names: c.575C>T, p.Pro192Leu (NM_001184795.1); short protein forms P192L, P206L.
Identifiers: ClinVar variation 872436 (VCV000872436.44), dbSNP rs139422226, ClinGen allele CA1055640.